The following is an entry in ClinVar:

NM_000400.4(ERCC2):c.1903-11C>A

Gene: ERCC2 (ERCC excision repair 2, TFIIH core complex helicase subunit; minus strand). Cytogenetic location: 19q13.32.
Variant type: single nucleotide variant.
Coding change: c.1903-11C>A on transcript NM_000400.4 (MANE Select); 11 bases into the intron before coding-DNA position 1903, C replaced by A.
Molecular consequence: intron variant.
Genome position (GRCh38, 1-based): chr19:45,352,660, G>T on the plus strand (C>A on the coding strand, the complement: ERCC2 is on the minus strand). VCF-style: chr19-45352660-G-T. GRCh37 (hg19) VCF-style: chr19-45855918-G-T.
Identifiers: ClinVar variation 1521545 (VCV001521545.5), dbSNP rs370777762, ClinGen allele CA9512980.
Genomic context (GRCh38, chr19:45,352,660, plus strand): 5'-AAGTCATTCTCACGAATCTGGAACTGGTCCCGCAGGTATTCCAGCCGCGCCTGCAGATAC[G>T]GAGGATGAGAAGCTGGGGAGGTGGGGGAGCCACTCCTCCCTTGATCCTAACACTGTGGGA-3'

ClinVar aggregate classification (germline): Uncertain significance (1 of 4 stars; one submission).

Allele frequency attached by ClinVar (database versions not stated): ESP Exome Variant Server 0.00008.

Submission:

Labcorp Genetics (formerly Invitae), Labcorp
Classification: Uncertain significance. Last evaluated: 2021-08-27. Review status: criteria provided, single submitter. Criteria: Invitae Variant Classification Sherloc (09022015). Collection method: clinical testing. Allele origin: germline.
Comment: This sequence change falls in intron 20 of the ERCC2 gene. It does not directly change the encoded amino acid sequence of the ERCC2 protein. This variant is present in population databases (rs370777762, ExAC 0.01%). This variant has not been reported in the literature in individuals affected with ERCC2-related conditions. Algorithms developed to predict the effect of sequence changes on RNA splicing suggest that this variant may create or strengthen a splice site. In summary, the available evidence is currently insufficient to determine the role of this variant in disease. Therefore, it has been classified as a Variant of Uncertain Significance.